The following is an entry in ClinVar:

ClinVar aggregate classification (germline): Conflicting classifications of pathogenicity. Review status: criteria provided, conflicting classifications (1 of 4 stars). 10 submissions from 8 submitters: Uncertain significance (6); Likely benign (3). 1 of the submissions does not count toward it. Last evaluated 2026-01-23.

Conditions:
RPGRIP1L-related disorder. Also called: RPGRIP1L-related disorders; RPGRIP1L-related condition. Identifiers: MedGen CN239416.
Joubert syndrome. Also called: JOUBERT-BOLTSHAUSER SYNDROME; Familial aplasia of the vermis. Identifiers: Orphanet 475, MedGen C5979921, MONDO:0018772.
Meckel-Gruber syndrome. Also called: Dysencephalia splachnocystica; DYSENCEPHALIA SPLANCHNOCYSTICA; GRUBER SYNDROME. Identifiers: Orphanet 564, MedGen C0265215, MONDO:0018921.
Nephronophthisis 8. Identifiers: MedGen CN119610.
Meckel syndrome, type 5 (MKS5). Identifiers: Orphanet 564, MedGen C1969052, MONDO:0012695, OMIM 611561.
Joubert syndrome 7 (JBTS7). Identifiers: Orphanet 220497, MedGen C1969053, MONDO:0012694, OMIM 611560.

Allele frequency attached by ClinVar (database versions not stated): ExAC 0.00075; TOPMed 0.00096; gnomAD 0.00085 and 0.00081; gnomAD exomes 0.00129 and 0.00074; 1000 Genomes Project 0.00020; 1000 Genomes Project 30x 0.00031; ESP Exome Variant Server 0.00131.
gnomAD v4.1: 1,969 of 1,613,934 alleles (0.12%); highest among the groups gnomAD compares: Non-Finnish European, 0.16%; 6 homozygotes.

Submissions (10):

Labcorp Genetics (formerly Invitae), Labcorp
Classification: Likely benign for Joubert syndrome; Meckel-Gruber syndrome. Last evaluated: 2026-01-23. Review status: criteria provided, single submitter. Criteria: Invitae Variant Classification Sherloc (09022015). Collection method: clinical testing. Allele origin: germline.

Blueprint Genetics
Classification: Likely benign. Last evaluated: 2024-11-26. Review status: criteria provided, single submitter. Criteria: ACMG Guidelines, 2015. Collection method: clinical testing. Allele origin: germline.

PreventionGenetics, part of Exact Sciences
Classification: Uncertain significance for RPGRIP1L-related condition. Last evaluated: 2023-11-20. Review status: criteria provided, single submitter. Criteria: ACMG Guidelines, 2015. Collection method: clinical testing. Allele origin: germline.
Comment: The RPGRIP1L c.2240G>A variant is predicted to result in the amino acid substitution p.Arg747Gln. This variant has been reported along with a second RPGRIP1L variant in an individual with retinitis pigmentosa (Table S5, Neveling et al. 2012. PubMed ID: 22334370), however the segregation and pathogenicity were not determined. This variant is reported in 0.12% of alleles in individuals of European (Non-Finnish) descent in gnomAD, including a single homozygous individual, which may be too common to be a pathogenic variant. Although we suspect that this variant may be benign, at this time, the clinical significance of this variant is uncertain due to the absence of conclusive functional and genetic evidence.

GeneDx
Classification: Likely benign. Last evaluated: 2021-05-20. Review status: criteria provided, single submitter. Criteria: GeneDx Variant Classification Process June 2021. Collection method: clinical testing. Allele origin: germline. Affected: yes.
Comment: This variant is associated with the following publications: (PMID: 22334370)

Baylor Genetics
Classification: Uncertain significance for Meckel syndrome, type 5. Last evaluated: 2020-10-01. Review status: criteria provided, single submitter. Criteria: ACMG Guidelines, 2015. Collection method: clinical testing. Allele origin: unknown. Affected: yes.
Comment: This variant was determined to be of uncertain significance according to ACMG Guidelines, 2015 [PMID:25741868].

Illumina Laboratory Services, Illumina
Classification: Uncertain significance for Nephronophthisis 8. Last evaluated: 2018-01-13. Review status: criteria provided, single submitter. Criteria: ICSL Variant Classification Criteria 13 December 2019. Collection method: clinical testing. Allele origin: germline.

Illumina Laboratory Services, Illumina
Classification: Uncertain significance for Meckel syndrome, type 5. Last evaluated: 2018-01-13. Review status: criteria provided, single submitter. Criteria: ICSL Variant Classification Criteria 13 December 2019. Collection method: clinical testing. Allele origin: germline.

Illumina Laboratory Services, Illumina
Classification: Uncertain significance for Joubert syndrome 7. Last evaluated: 2018-01-13. Review status: criteria provided, single submitter. Criteria: ICSL Variant Classification Criteria 13 December 2019. Collection method: clinical testing. Allele origin: germline.

Eurofins Ntd Llc (ga)
Classification: Uncertain significance. Last evaluated: 2015-06-15. Review status: criteria provided, single submitter. Criteria: EGL Classification Definitions 2015. Collection method: clinical testing. Allele origin: germline. Observed: 3 variant alleles, 3 heterozygotes.

Natera, Inc.
Classification: Likely benign for Joubert syndrome. Last evaluated: 2020-01-13. Review status: no assertion criteria provided. Collection method: clinical testing. Allele origin: germline. Not counted in ClinVar's aggregate classification.

NM_015272.5(RPGRIP1L):c.2240G>A (p.Arg747Gln)

Gene: RPGRIP1L (RPGRIP1 like; minus strand). Cytogenetic location: 16q12.2.
Variant type: single nucleotide variant.
Coding change: c.2240G>A on transcript NM_015272.5 (MANE Select); coding-DNA position 2240, G replaced by A.
Protein change: p.Arg747Gln; replaces arginine 747 with glutamine.
Molecular consequence: missense variant.
Genome position (GRCh38, 1-based): chr16:53,649,028, C>T on the plus strand (G>A on the coding strand, the complement: RPGRIP1L is on the minus strand). VCF-style: chr16-53649028-C-T. GRCh37 (hg19) VCF-style: chr16-53682940-C-T.
Other names: c.2240G>A, p.Arg747Gln (NM_001127897.4, NM_001308334.3, NM_001330538.2); c.2240G>A (NM_015272.4); short protein forms R747Q.
Identifiers: ClinVar variation 166909 (VCV000166909.26), dbSNP rs142349647, ClinGen allele CA233780.